The following is an entry in ClinVar:

NM_000038.6(APC):c.5818A>G (p.Ile1940Val)

Gene: APC (APC regulator of Wnt signaling pathway; plus strand). Cytogenetic location: 5q22.2.
Variant type: single nucleotide variant.
Coding change: c.5818A>G on transcript NM_000038.6 (MANE Select); coding-DNA position 5818, A replaced by G.
Protein change: p.Ile1940Val; replaces isoleucine 1940 with valine.
Molecular consequence: missense variant.
Genome position (GRCh38, 1-based): chr5:112,841,412, A>G. VCF-style: chr5-112841412-A-G. GRCh37 (hg19) VCF-style: chr5-112177109-A-G.
Other names: c.5818A>G, p.Ile1940Val (NM_001127510.3, NM_001354895.2); c.5764A>G, p.Ile1922Val (NM_001127511.3); c.5872A>G, p.Ile1958Val (NM_001354896.2); c.5848A>G, p.Ile1950Val (NM_001354897.2); c.5743A>G, p.Ile1915Val (NM_001354898.2); c.5734A>G, p.Ile1912Val (NM_001354899.2); c.5695A>G, p.Ile1899Val (NM_001354900.2); c.5641A>G, p.Ile1881Val (NM_001354901.2); and 5 more; short protein forms I1922V, I1940V, I1780V, I1849V, I1814V, I1881V, I1657V, I1839V.
Identifiers: ClinVar variation 411519 (VCV000411519.52), dbSNP rs544669011, ClinGen allele CA043108.

ClinVar aggregate classification (germline): Uncertain significance. Review status: criteria provided, multiple submitters, no conflicts (2 of 4 stars). 3 submissions from 3 submitters: Uncertain significance (3). Last evaluated 2024-08-19.

Conditions:
Familial adenomatous polyposis 1 (FAP1). Also called: FAMILIAL ADENOMATOUS POLYPOSIS 1, ATTENUATED; POLYPOSIS, ADENOMATOUS INTESTINAL. Identifiers: MedGen C2713442, MONDO:0021056, OMIM 175100. Disease mechanism: loss of function.
Hereditary cancer-predisposing syndrome. Also called: Tumor predisposition; Hereditary Cancer Syndrome; Hereditary neoplastic syndrome; Neoplastic Syndromes, Hereditary. Identifiers: Orphanet 140162, MedGen C0027672, MeSH D009386, MONDO:0015356.

Allele frequency attached by ClinVar (database versions not stated): gnomAD exomes below 0.00001 and 0.00001; ExAC 0.00001; gnomAD 0.00001; 1000 Genomes Project 30x 0.00016; 1000 Genomes Project 0.00020.
gnomAD v4.1: 5 of 1,614,024 alleles (0.00031%); highest among the groups gnomAD compares: Admixed American, 0.0017%; no homozygotes.

Submissions (3):

Ambry Genetics
Classification: Uncertain significance for Hereditary cancer-predisposing syndrome. Last evaluated: 2024-08-19. Review status: criteria provided, single submitter. Criteria: Ambry Variant Classification Scheme 2023. Collection method: clinical testing. Allele origin: germline.
Comment: The p.I1940V variant (also known as c.5818A>G), located in coding exon 15 of the APC gene, results from an A to G substitution at nucleotide position 5818. The isoleucine at codon 1940 is replaced by valine, an amino acid with highly similar properties. This amino acid position is conserved. In addition, in silico predictors for this gene do not accurately predict pathogenicity. Based on the available evidence, the clinical significance of this variant remains unclear.

Quest Diagnostics Nichols Institute San Juan Capistrano
Classification: Uncertain significance. Last evaluated: 2024-03-08. Review status: criteria provided, single submitter. Criteria: Quest Diagnostics criteria. Collection method: clinical testing. Allele origin: unknown.
Comment: The APC c.5818A>G (p.Ile1940Val) variant has not been reported in individuals with APC-related conditions in the published literature. The frequency of this variant in the general population, 0.000008 (2/250168 chromosomes (Genome Aggregation Database)), is uninformative in the assessment of its pathogenicity. Analysis of this variant using bioinformatics tools for the prediction of the effect of amino acid changes on protein structure and function yielded predictions that this variant is benign. Based on the available information, we are unable to determine the clinical significance of this variant.

Labcorp Genetics (formerly Invitae), Labcorp
Classification: Uncertain significance for Familial adenomatous polyposis 1. Last evaluated: 2023-04-19. Review status: criteria provided, single submitter. Criteria: Invitae Variant Classification Sherloc (09022015). Collection method: clinical testing. Allele origin: germline.
Comment: In summary, the available evidence is currently insufficient to determine the role of this variant in disease. Therefore, it has been classified as a Variant of Uncertain Significance. Advanced modeling of protein sequence and biophysical properties (such as structural, functional, and spatial information, amino acid conservation, physicochemical variation, residue mobility, and thermodynamic stability) performed at Invitae indicates that this missense variant is not expected to disrupt APC protein function. ClinVar contains an entry for this variant (Variation ID: 411519). This variant has not been reported in the literature in individuals affected with APC-related conditions. This variant is present in population databases (rs544669011, gnomAD 0.003%). This sequence change replaces isoleucine, which is neutral and non-polar, with valine, which is neutral and non-polar, at codon 1940 of the APC protein (p.Ile1940Val).